The following is an entry in ClinVar:

NM_000051.4(ATM):c.4282del (p.Glu1428fs)

Gene: ATM (ATM serine/threonine kinase; plus strand). Cytogenetic location: 11q22.3.
Variant type: Deletion.
Coding change: c.4282del on transcript NM_000051.4 (MANE Select); coding-DNA position 4282, one base deleted (G; older notation c.4282delG).
Protein change: p.Glu1428fs; shifts the reading frame from glutamic acid 1428.
Molecular consequence: frameshift variant.
Genome position (GRCh38, 1-based): chr11:108,289,647, G deleted. VCF-style (leftmost placement, unchanged base first): chr11-108289646-TG-T. GRCh37 (hg19) VCF-style: chr11-108160373-TG-T.
Other names: c.4282del, p.Glu1428fs (NM_001351834.2); short protein forms E1428fs.
Identifiers: ClinVar variation 837404 (VCV000837404.7), dbSNP rs2082672268, ClinGen allele CA916080452.
Genomic context (GRCh38, chr11:108,289,646, plus strand): 5'-TCTGTTTATTTTCTAGGATTCCTATCAGAAAATTCTTCTTGCCATATGTGAGCAAGCAGC[TG>T]AAACAAATAATGTTTATAAGAAGCACAGAATTCTTAAAATATATCACCTGTTTGTTAGTT-3'

ClinVar aggregate classification (germline): Pathogenic (1 of 4 stars; one submission).

Conditions:
Ataxia-telangiectasia syndrome (AT). Also called: Ataxia-telangiectasia, complementation group E; Ataxia telangiectasia (A-T); LOUIS-BAR SYNDROME; Ataxia-telangiectasia, complementation group D; AT, COMPLEMENTATION GROUP C; Ataxia-telangiectasia. Identifiers: Orphanet 100, MedGen C0004135, MONDO:0008840, OMIM 208900.

Submission:

Labcorp Genetics (formerly Invitae), Labcorp
Classification: Pathogenic for Ataxia-telangiectasia syndrome. Last evaluated: 2019-01-28. Review status: criteria provided, single submitter. Criteria: Invitae Variant Classification Sherloc (09022015). Collection method: clinical testing. Allele origin: germline.
Comment: This sequence change creates a premature translational stop signal (p.Glu1428Lysfs*23) in the ATM gene. It is expected to result in an absent or disrupted protein product. This variant is not present in population databases (ExAC no frequency). This variant has not been reported in the literature in individuals with ATM-related conditions. Loss-of-function variants in ATM are known to be pathogenic (PMID: 23807571, 25614872). For these reasons, this variant has been classified as Pathogenic.

Literature cited by the submitters: PubMed 23807571; PubMed 25614872.